The following is an entry in ClinVar:

ClinVar aggregate classification (germline): Uncertain significance (1 of 4 stars; one submission).

gnomAD v4.1: 1 of 1,606,400 alleles (0.000062%); no homozygotes.

Submission:

Ambry Genetics
Classification: Uncertain significance. Last evaluated: 2026-05-06. Review status: criteria provided, single submitter. Criteria: Ambry Variant Classification Scheme 2023. Collection method: clinical testing. Allele origin: germline.
Comment: The c.2908G>A (p.E970K) alteration is located in exon 26 (coding exon 26) of the UGGT1 gene. This alteration results from a G to A substitution at nucleotide position 2908, causing the glutamic acid (E) at amino acid position 970 to be replaced by a lysine (K). Based on data from gnomAD, the A allele has an overall frequency of <0.001% (1/243270) total alleles studied. The highest observed frequency was 0.006% (1/17782) of East Asian alleles. Based on insufficient or conflicting evidence, the clinical significance of this alteration remains unclear.

NM_020120.4(UGGT1):c.2908G>A (p.Glu970Lys)

Gene: UGGT1 (UDP-glucose glycoprotein glucosyltransferase 1; plus strand). Cytogenetic location: 2q14.3.
Variant type: single nucleotide variant.
Coding change: c.2908G>A on transcript NM_020120.4 (MANE Select); coding-DNA position 2908, G replaced by A.
Protein change: p.Glu970Lys; replaces glutamic acid 970 with lysine.
Molecular consequence: missense variant. On other transcripts: non-coding transcript variant (1).
Genome position (GRCh38, 1-based): chr2:128,164,812, G>A. VCF-style: chr2-128164812-G-A. GRCh37 (hg19) VCF-style: chr2-128922386-G-A.
Other names: short protein forms E970K.
Identifiers: ClinVar variation 4866315 (VCV004866315.1).
Genomic context (GRCh38, chr2:128,164,812, plus strand): 5'-GTGGATGCTCTTCTGTCAGCGCAACCAAAAGGAGATCCAAGAATCGAGTACCAGTTTTTT[G>A]AAGACAGACACAGGTATAGAATTAATGTTGAATTTGTGCATATTCTTGAATATTAAACTC-3'
Protein context (NP_064505.1, residues 960-980): GDPRIEYQFF[Glu970Lys]DRHSAIKLRP